The following is an entry in ClinVar:

NM_002880.4(RAF1):c.1472C>G (p.Thr491Arg)

Gene: RAF1 (Raf-1 proto-oncogene, serine/threonine kinase; minus strand). Cytogenetic location: 3p25.2.
Variant type: single nucleotide variant.
Coding change: c.1472C>G on transcript NM_002880.4 (MANE Select); coding-DNA position 1472, C replaced by G.
Protein change: p.Thr491Arg; replaces threonine 491 with arginine.
Molecular consequence: missense variant. On other transcripts: non-coding transcript variant (3).
Genome position (GRCh38, 1-based): chr3:12,585,745, G>C on the plus strand (C>G on the coding strand, the complement: RAF1 is on the minus strand). VCF-style: chr3-12585745-G-C. GRCh37 (hg19) VCF-style: chr3-12627244-G-C.
Other names: c.1532C>G, p.Thr511Arg (NM_001354689.3); c.1472C>G, p.Thr491Arg (NM_001354690.3); c.1229C>G, p.Thr410Arg (NM_001354691.3, NM_001354692.3); c.1373C>G, p.Thr458Arg (NM_001354693.3); c.1289C>G, p.Thr430Arg (NM_001354694.3); c.1130C>G, p.Thr377Arg (NM_001354695.3); short protein forms T491R, T430R, T458R, T410R, T511R, T377R.
Identifiers: ClinVar variation 13959 (VCV000013959.10), dbSNP rs80338799, ClinGen allele CA257064.

ClinVar aggregate classification (germline): Likely pathogenic. Review status: criteria provided, multiple submitters, no conflicts (2 of 4 stars). 3 submissions from 3 submitters: Likely pathogenic (2). 1 of the submissions does not count toward it. Last evaluated 2024-09-11.

Conditions:
RASopathy. Also called: Noonan spectrum disorder; rasopathies. Identifiers: Orphanet 536391, MedGen C5555857, MONDO:0021060.
Noonan syndrome 5 (NS5). Also called: RAF1-Related Noonan Syndrome. Identifiers: Orphanet 648, MedGen C1969057, MONDO:0012690, OMIM 611553. Disease mechanism: gain of function.

Submissions (3):

Labcorp Genetics (formerly Invitae), Labcorp
Classification: Likely pathogenic for RASopathy. Last evaluated: 2024-09-11. Review status: criteria provided, single submitter. Criteria: Invitae Variant Classification Sherloc (09022015). Collection method: clinical testing. Allele origin: germline.
Comment: This sequence change replaces threonine, which is neutral and polar, with arginine, which is basic and polar, at codon 491 of the RAF1 protein (p.Thr491Arg). This variant is not present in population databases (gnomAD no frequency). This missense change has been observed in individual(s) with Noonan syndrome (PMID: 17603483). ClinVar contains an entry for this variant (Variation ID: 13959). Invitae Evidence Modeling of protein sequence and biophysical properties (such as structural, functional, and spatial information, amino acid conservation, physicochemical variation, residue mobility, and thermodynamic stability) indicates that this missense variant is expected to disrupt RAF1 protein function with a positive predictive value of 95%. Experimental studies have shown that this missense change affects RAF1 function (PMID: 22826437). This variant disrupts the p.Thr491 amino acid residue in RAF1. Other variant(s) that disrupt this residue have been determined to be pathogenic (PMID: 17603483, 22826437, 27753652). This suggests that this residue is clinically significant, and that variants that disrupt this residue are likely to be disease-causing. In summary, the currently available evidence indicates that the variant is pathogenic, but additional data are needed to prove that conclusively. Therefore, this variant has been classified as Likely Pathogenic.

GeneDx
Classification: Likely pathogenic. Last evaluated: 2018-06-18. Review status: criteria provided, single submitter. Criteria: GeneDx Variant Classification (06012015). Collection method: clinical testing. Allele origin: germline. Affected: yes.
Comment: The T491R variant has been published previously in association with Noonan syndrome (Pandit et al., 2007). The variant is not observed in large population cohorts (Lek et al., 2016). T491R is a semi-conservative amino acid substitution, which may impact secondary protein structure as these residues differ in some properties. In-silico analyses, including protein predictors and evolutionary conservation, support a deleterious effect. Missense variants in the same residue (T491I) and in nearby residues (D486N/G, L489F) have been reported by the Human Gene Mutation Database and/or GeneDx in association with Noonan syndrome (Stenson et al., 2014), supporting the functional importance of this region of the protein. In summary, this variant is likely pathogenic; however, the possibility that it is benign cannot be excluded.

OMIM
Classification: Pathogenic for NOONAN SYNDROME 5. Last evaluated: 2007-08-01. Review status: no assertion criteria provided. Collection method: literature only. Allele origin: germline. Not counted in ClinVar's aggregate classification.

Literature cited by the submitters: PubMed 17603483 (cited by Labcorp Genetics (formerly Invitae), Labcorp and OMIM); PubMed 22826437 (cited by Labcorp Genetics (formerly Invitae), Labcorp); PubMed 27753652 (cited by Labcorp Genetics (formerly Invitae), Labcorp).